The following is an entry in ClinVar:

NM_207352.4(CYP4V2):c.1348C>T (p.Gln450Ter)

Gene: CYP4V2 (cytochrome P450 family 4 subfamily V member 2; plus strand). Cytogenetic location: 4q35.2.
Variant type: single nucleotide variant.
Coding change: c.1348C>T on transcript NM_207352.4 (MANE Select); coding-DNA position 1348, C replaced by T.
Protein change: p.Gln450Ter; replaces glutamine 450 with a stop codon.
Molecular consequence: nonsense.
Genome position (GRCh38, 1-based): chr4:186,209,215, C>T. VCF-style: chr4-186209215-C-T. GRCh37 (hg19) VCF-style: chr4-187130369-C-T.
Other names: c.1652C>T; short protein forms Q450*.
Identifiers: ClinVar variation 39256 (VCV000039256.15), dbSNP rs199476204, ClinGen allele CA343717.

ClinVar aggregate classification (germline): Pathogenic. Review status: criteria provided, multiple submitters, no conflicts (2 of 4 stars). 5 submissions from 5 submitters: Pathogenic (3). 2 of the submissions do not count toward it. Last evaluated 2024-03-17.

Conditions:
CYP4V2-related disorder. Also called: CYP4V2-related condition; CYP4V2-related disorders.
Bietti crystalline corneoretinal dystrophy (BCD). Also called: BIETTI TAPETORETINAL DEGENERATION WITH MARGINAL CORNEAL DYSTROPHY; Bietti Crystalline Dystrophy. Identifiers: Orphanet 41751, MedGen C1859486, MONDO:0008865, OMIM 210370.

Allele frequency attached by ClinVar (database versions not stated): TOPMed below 0.00001; gnomAD 0.00001.
gnomAD v4.1: 12 of 1,613,956 alleles (0.00074%); highest among the groups gnomAD compares: Non-Finnish European, 0.001%; no homozygotes.

Submissions (5):

Genomic Medicine Center of Excellence, King Faisal Specialist Hospital and Research Centre
Classification: Pathogenic for Bietti crystalline corneoretinal dystrophy. Last evaluated: 2024-03-17. Review status: criteria provided, single submitter. Criteria: ACMG Guidelines, 2015. Collection method: research. Allele origin: germline.

Labcorp Genetics (formerly Invitae), Labcorp
Classification: Pathogenic. Last evaluated: 2022-08-20. Review status: criteria provided, single submitter. Criteria: Invitae Variant Classification Sherloc (09022015). Collection method: clinical testing. Allele origin: germline.
Comment: This sequence change creates a premature translational stop signal (p.Gln450*) in the CYP4V2 gene. It is expected to result in an absent or disrupted protein product. Loss-of-function variants in CYP4V2 are known to be pathogenic (PMID: 15042513, 25118264). This variant is not present in population databases (gnomAD no frequency). This premature translational stop signal has been observed in individual(s) with Bietti crystalline dystrophy (PMID: 15937078). ClinVar contains an entry for this variant (Variation ID: 39256). For these reasons, this variant has been classified as Pathogenic.

Blueprint Genetics
Classification: Pathogenic for CYP4V2-related disorders. Last evaluated: 2021-03-09. Review status: criteria provided, single submitter. Criteria: ACMG Guidelines, 2015. Collection method: clinical testing. Allele origin: germline. Affected: yes. Observed: 3 variant alleles.

GeneReviews
Classification: Pathogenic for Bietti Crystalline Dystrophy. Last evaluated: 2012-04-12. Review status: no assertion criteria provided. Collection method: curation. Allele origin: unknown. Not counted in ClinVar's aggregate classification.
ClinVar note: Converted during submission from pathologic to Pathogenic.

OMIM
Classification: Pathogenic for BIETTI CRYSTALLINE CORNEORETINAL DYSTROPHY. Last evaluated: 2005-06-01. Review status: no assertion criteria provided. Collection method: literature only. Allele origin: germline. Not counted in ClinVar's aggregate classification.

Literature cited by the submitters: PubMed 15042513 (cited by Labcorp Genetics (formerly Invitae), Labcorp); PubMed 25118264 (cited by Labcorp Genetics (formerly Invitae), Labcorp); PubMed 15937078 (cited by Labcorp Genetics (formerly Invitae), Labcorp and OMIM).